The following is an entry in ClinVar:

NM_020937.4(FANCM):c.4220A>G (p.Glu1407Gly)

Gene: FANCM (FA complementation group M; plus strand). Cytogenetic location: 14q21.2.
Variant type: single nucleotide variant.
Coding change: c.4220A>G on transcript NM_020937.4 (MANE Select); coding-DNA position 4220, A replaced by G.
Protein change: p.Glu1407Gly; replaces glutamic acid 1407 with glycine.
Molecular consequence: missense variant.
Genome position (GRCh38, 1-based): chr14:45,176,974, A>G. VCF-style: chr14-45176974-A-G. GRCh37 (hg19) VCF-style: chr14-45646177-A-G.
Other names: c.4142A>G, p.Glu1381Gly (NM_001308133.2); c.4220A>G (NM_020937.2); short protein forms E1381G, E1407G.
Identifiers: ClinVar variation 1014443 (VCV001014443.10), dbSNP rs946759727, ClinGen allele CA259628697.

ClinVar aggregate classification (germline): Uncertain significance. Review status: criteria provided, multiple submitters, no conflicts (2 of 4 stars). 4 submissions from 4 submitters: Uncertain significance (4). Last evaluated 2024-01-19.

Conditions:
Spermatogenic failure 28. Identifiers: MedGen C4748117, MONDO:0054732, OMIM 618086.
Premature ovarian failure 15. Identifiers: MedGen C4748170, MONDO:0054862, OMIM 618096.
Fanconi anemia (FA). Also called: Fanconi's anemia. Identifiers: Orphanet 84, MedGen C0015625, MeSH D005199, MONDO:0019391.

Allele frequency attached by ClinVar (database versions not stated): gnomAD exomes below 0.00001 and 0.00001; gnomAD 0.00003; TOPMed 0.00003.
gnomAD v4.1: 6 of 1,548,604 alleles (0.00039%); highest among the groups gnomAD compares: African/African-American, 0.0082%; no homozygotes.

Submissions (4):

GeneDx
Classification: Uncertain significance. Last evaluated: 2024-01-19. Review status: criteria provided, single submitter. Criteria: GeneDx Variant Classification Process June 2021. Collection method: clinical testing. Allele origin: germline. Affected: yes.
Comment: Not observed at significant frequency in large population cohorts (gnomAD); In silico analysis supports that this missense variant does not alter protein structure/function; Has not been previously published as pathogenic or benign to our knowledge

Fulgent Genetics
Classification: Uncertain significance for Spermatogenic failure 28; Premature ovarian failure 15. Last evaluated: 2021-11-29. Review status: criteria provided, single submitter. Criteria: ACMG Guidelines, 2015. Collection method: clinical testing. Allele origin: unknown.

Quest Diagnostics Nichols Institute San Juan Capistrano
Classification: Uncertain significance. Last evaluated: 2021-07-28. Review status: criteria provided, single submitter. Criteria: Quest Diagnostics criteria. Collection method: clinical testing. Allele origin: unknown.

Labcorp Genetics (formerly Invitae), Labcorp
Classification: Uncertain significance for Fanconi anemia. Last evaluated: 2020-05-21. Review status: criteria provided, single submitter. Criteria: Invitae Variant Classification Sherloc (09022015). Collection method: clinical testing. Allele origin: germline.
Comment: This sequence change replaces glutamic acid with glycine at codon 1407 of the FANCM protein (p.Glu1407Gly). The glutamic acid residue is weakly conserved and there is a moderate physicochemical difference between glutamic acid and glycine. This variant is not present in population databases (ExAC no frequency). This variant has not been reported in the literature in individuals with FANCM-related conditions. Algorithms developed to predict the effect of missense changes on protein structure and function output the following: SIFT: "Tolerated"; PolyPhen-2: "Benign"; Align-GVGD: "Class C0". The glycine amino acid residue is found in multiple mammalian species, suggesting that this missense change does not adversely affect protein function. These predictions have not been confirmed by published functional studies and their clinical significance is uncertain. In summary, the available evidence is currently insufficient to determine the role of this variant in disease. Therefore, it has been classified as a Variant of Uncertain Significance.